The following is an entry in ClinVar:

NM_001127222.2(CACNA1A):c.3742_3744del (p.Cys1248del)

Gene: CACNA1A (calcium voltage-gated channel subunit alpha1 A; minus strand). Cytogenetic location: 19p13.13.
Variant type: Deletion.
Coding change: c.3742_3744del on transcript NM_001127222.2 (MANE Select); coding-DNA positions 3742 to 3744, 3 bases deleted (TGC; older notation c.3742_3744delTGC).
Protein change: p.Cys1248del; deletes cysteine 1248.
Molecular consequence: inframe deletion.
Genome position (GRCh38, 1-based): chr19:13,283,345-13,283,347, GCA deleted on the plus strand (TGC on the coding strand, the reverse complement: CACNA1A is on the minus strand). VCF-style (leftmost placement, unchanged base first): chr19-13283344-TGCA-T. GRCh37 (hg19) VCF-style: chr19-13394158-TGCA-T.
Other names: c.3754_3756del, p.Cys1252del (NM_000068.4, NM_023035.3); c.3745_3747del, p.Cys1249del (NM_001127221.2, NM_001174080.2); short protein forms C1248del, C1249del, C1252del.
Identifiers: ClinVar variation 2952768 (VCV002952768.3), dbSNP rs2512840860, ClinGen allele CA2740091881.
Genomic context (GRCh38, chr19:13,283,344, plus strand): 5'-TGGGCTGCACAGGGTCCTCGGCGGCCAGGGCGATGCTGCTCATGGCAATGACCATGAGGA[TGCA>T]CATCTCAAAGTAGCGCAGGTTCAGGATGTAATGGCACAGGCGGCGAAGGCTGTTGGAGAC-3'

ClinVar aggregate classification (germline): Uncertain significance (1 of 4 stars; one submission).

Conditions:
Episodic ataxia type 2 (EA2). Also called: CEREBELLAR ATAXIA, PAROXYSMAL, ACETAZOLAMIDE-RESPONSIVE; CEREBELLOPATHY, HEREDITARY PAROXYSMAL; EPISODIC ATAXIA, NYSTAGMUS-ASSOCIATED; ACETAZOLAMIDE-RESPONSIVE HEREDITARY PAROXYSMAL CEREBELLAR ATAXIA; ATAXIA, EPISODIC, WITH NYSTAGMUS; ATAXIA, FAMILIAL PAROXYSMAL. Identifiers: Orphanet 97, MedGen C1720416, MONDO:0007163, OMIM 108500.
Developmental and epileptic encephalopathy, 42 (DEE42A). Also called: Epileptic encephalopathy, early infantile, 42; DEVELOPMENTAL AND EPILEPTIC ENCEPHALOPATHY 42A; EPILEPTIC ENCEPHALOPATHY, EARLY INFANTILE, 42A. Identifiers: MedGen C4310716, MONDO:0014917, OMIM 617106.

Submission:

Labcorp Genetics (formerly Invitae), Labcorp
Classification: Uncertain significance for Developmental and epileptic encephalopathy, 42; Episodic ataxia type 2. Last evaluated: 2024-09-30. Review status: criteria provided, single submitter. Criteria: Invitae Variant Classification Sherloc (09022015). Collection method: clinical testing. Allele origin: germline.
Comment: This variant, c.3745_3747del, results in the deletion of 1 amino acid(s) of the CACNA1A protein (p.Cys1249del), but otherwise preserves the integrity of the reading frame. This variant is not present in population databases (gnomAD no frequency). This variant has not been reported in the literature in individuals affected with CACNA1A-related conditions. Experimental studies and prediction algorithms are not available or were not evaluated, and the functional significance of this variant is currently unknown. In summary, the available evidence is currently insufficient to determine the role of this variant in disease. Therefore, it has been classified as a Variant of Uncertain Significance.